The following is an entry in ClinVar:

ClinVar aggregate classification (germline): Uncertain significance. Review status: criteria provided, multiple submitters, no conflicts (2 of 4 stars). 4 submissions from 4 submitters: Uncertain significance (3). 1 of the submissions does not count toward it. Last evaluated 2024-05-23.

Conditions:
Autosomal recessive nonsyndromic hearing loss 77. Identifiers: Orphanet 90636, MedGen C2746083, MONDO:0013119, OMIM 613079.
Inborn genetic diseases. Identifiers: MedGen C0950123, MeSH D030342.

Allele frequency attached by ClinVar (database versions not stated): gnomAD exomes 0.00008 and 0.00019; TOPMed 0.00017; gnomAD 0.00019 and 0.00020.
gnomAD v4.1: 308 of 1,551,714 alleles (0.02%); highest among the groups gnomAD compares: Non-Finnish European, 0.025%; no homozygotes.

Submissions (4):

Labcorp Genetics (formerly Invitae), Labcorp
Classification: Uncertain significance. Last evaluated: 2024-05-23. Review status: criteria provided, single submitter. Criteria: Invitae Variant Classification Sherloc (09022015). Collection method: clinical testing. Allele origin: germline.
Comment: This sequence change replaces glycine, which is neutral and non-polar, with serine, which is neutral and polar, at codon 2152 of the LOXHD1 protein (p.Gly2152Ser). This variant is present in population databases (rs769490340, gnomAD 0.01%). This variant has not been reported in the literature in individuals affected with LOXHD1-related conditions. ClinVar contains an entry for this variant (Variation ID: 517246). An algorithm developed to predict the effect of missense changes on protein structure and function (PolyPhen-2) suggests that this variant is likely to be disruptive. In summary, the available evidence is currently insufficient to determine the role of this variant in disease. Therefore, it has been classified as a Variant of Uncertain Significance.

Ambry Genetics
Classification: Uncertain significance for Inborn genetic diseases. Last evaluated: 2018-09-28. Review status: criteria provided, single submitter. Criteria: Ambry exome assertion method (8-5-2015). Collection method: clinical testing. Allele origin: germline. Affected: yes. Observed: 1 variant allele.

Laboratory for Molecular Medicine, Mass General Brigham Personalized Medicine
Classification: Uncertain significance. Last evaluated: 2017-02-11. Review status: criteria provided, single submitter. Criteria: LMM Criteria. Collection method: clinical testing. Allele origin: germline. Observed: 1 variant allele.
Comment: The p.Gly2152Ser variant in LOXHD1 has not been previously reported in individua ls with hearing loss. Data from large population studies is insufficient to asse ss the frequency of this variant. Computational prediction tools and conservatio n analysis suggest that the p.Gly2152Ser variant may impact the protein, though this information is not predictive enough to determine pathogenicity. This varia nt is predicted to result in a missense change in 4 of the 5 LOXHD1 transcripts. However, in one shorter transcript (NM_001145472.2), this variant is located in the last base of the second to last exon. This position is part of the 5' splic e region in this transcript, and computational tools predict a mild impact to sp licing, however this would not affect splicing in the other transcripts of LOXHD 1. While truncating variants that affect both the long and short transcripts of the LOXHD1 gene (NM_144612.6 and NM_001145472.2) have been reported, deleterious variants that impact only this shorter transcript (NM_001145472.2) have not bee n reported in hearing loss probands to date. In addition, there is no functional data on whether or not the shorter transcripts of LOXHD1 are essential for norm al hearing. In summary, the clinical significance of the p.Gly2152Ser variant is uncertain.

Natera, Inc.
Classification: Uncertain significance for Autosomal recessive deafness type 77. Last evaluated: 2019-10-28. Review status: no assertion criteria provided. Collection method: clinical testing. Allele origin: germline. Not counted in ClinVar's aggregate classification.

NM_001384474.1(LOXHD1):c.6640G>A (p.Gly2214Ser)

Gene: LOXHD1 (lipoxygenase homology PLAT domains 1; minus strand). Cytogenetic location: 18q21.1.
Variant type: single nucleotide variant.
Coding change: c.6640G>A on transcript NM_001384474.1 (MANE Select); coding-DNA position 6640, G replaced by A.
Protein change: p.Gly2214Ser; replaces glycine 2214 with serine.
Molecular consequence: missense variant.
Genome position (GRCh38, 1-based): chr18:46,477,654, C>T on the plus strand (G>A on the coding strand, the complement: LOXHD1 is on the minus strand). VCF-style: chr18-46477654-C-T. GRCh37 (hg19) VCF-style: chr18-44057617-C-T.
Other names: c.3307G>A, p.Val1103Ile (NM_001145472.3); c.1357G>A, p.Gly453Ser (NM_001145473.3, NM_001173129.2); c.3019G>A, p.Gly1007Ser (NM_001308013.2); c.6454G>A, p.Gly2152Ser (NM_144612.7); short protein forms G2152S, G1007S, V1103I, G453S, G2214S.
Identifiers: ClinVar variation 517246 (VCV000517246.9), dbSNP rs769490340, ClinGen allele CA299792268.